The following is an entry in ClinVar:

ClinVar aggregate classification (germline): Uncertain significance (1 of 4 stars; one submission).

Conditions:
Hereditary spastic paraplegia 73. Also called: Spastic paraplegia 73, autosomal dominant. Identifiers: Orphanet 444099, MedGen C5568981, MONDO:0014568, OMIM 616282.

gnomAD v4.1: 4 of 1,613,396 alleles (0.00025%); highest among the groups gnomAD compares: Admixed American, 0.0033%; no homozygotes.

Submission:

Labcorp Genetics (formerly Invitae), Labcorp
Classification: Uncertain significance for Hereditary spastic paraplegia 73. Last evaluated: 2024-04-29. Review status: criteria provided, single submitter. Criteria: Invitae Variant Classification Sherloc (09022015). Collection method: clinical testing. Allele origin: germline.
Comment: This sequence change replaces arginine, which is basic and polar, with cysteine, which is neutral and slightly polar, at codon 160 of the CPT1C protein (p.Arg160Cys). The frequency data for this variant in the population databases is considered unreliable, as metrics indicate poor data quality at this position in the gnomAD database. This variant has not been reported in the literature in individuals affected with CPT1C-related conditions. Advanced modeling of protein sequence and biophysical properties (such as structural, functional, and spatial information, amino acid conservation, physicochemical variation, residue mobility, and thermodynamic stability) performed at Invitae indicates that this missense variant is not expected to disrupt CPT1C protein function with a negative predictive value of 80%. In summary, the available evidence is currently insufficient to determine the role of this variant in disease. Therefore, it has been classified as a Variant of Uncertain Significance.

NM_001199753.2(CPT1C):c.478C>T (p.Arg160Cys)

Gene: CPT1C (carnitine palmitoyltransferase 1C; plus strand). Cytogenetic location: 19q13.33.
Variant type: single nucleotide variant.
Coding change: c.478C>T on transcript NM_001199753.2 (MANE Select); coding-DNA position 478, C replaced by T.
Protein change: p.Arg160Cys; replaces arginine 160 with cysteine.
Molecular consequence: missense variant. On other transcripts: non-coding transcript variant (1).
Genome position (GRCh38, 1-based): chr19:49,701,341, C>T. VCF-style: chr19-49701341-C-T. GRCh37 (hg19) VCF-style: chr19-50204598-C-T.
Other names: c.478C>T, p.Arg160Cys (NM_001136052.3, NM_001199752.3, NM_001378482.1 and 7 more transcripts); short protein forms R160C.
Identifiers: ClinVar variation 3630245 (VCV003630245.2).